The following is an entry in ClinVar:

NM_002156.5(HSPD1):c.1688G>C (p.Gly563Ala)

Gene: HSPD1 (heat shock protein family D (Hsp60) member 1; minus strand). Cytogenetic location: 2q33.1.
Variant type: single nucleotide variant.
Coding change: c.1688G>C on transcript NM_002156.5 (MANE Select); coding-DNA position 1688, G replaced by C.
Protein change: p.Gly563Ala; replaces glycine 563 with alanine.
Molecular consequence: missense variant.
Genome position (GRCh38, 1-based): chr2:197,487,080, C>G on the plus strand (G>C on the coding strand, the complement: HSPD1 is on the minus strand). VCF-style: chr2-197487080-C-G. GRCh37 (hg19) VCF-style: chr2-198351804-C-G.
Other names: p.G563A:GGA>GCA; p.Gly563Ala; c.1688G>C, p.Gly563Ala (NM_199440.2); short protein forms G563A.
Identifiers: ClinVar variation 137563 (VCV000137563.22), dbSNP rs41265953, ClinGen allele CA291195.
Genomic context (GRCh38, chr2:197,487,080, plus strand): 5'-ATAAAGGTAAAGCACTAGTCTAGGAGTTAGAACATGCCACCTCCCATACCACCTCCCATT[C>G]CACCCATTGCACCCATTCCAGGGTCCTTCTCTTCTTTAGGAATTTCTGTGACTACAACTT-3'
Protein context (NP_002147.2, residues 553-573): EKDPGMGAMG[Gly563Ala]MGGGMGGGMF

ClinVar aggregate classification (germline): Benign. Review status: criteria provided, multiple submitters, no conflicts (2 of 4 stars). 7 submissions from 7 submitters: Benign (7). Last evaluated 2026-01-27.

Conditions:
Hereditary spastic paraplegia. Also called: Familial spastic paraparesis. Identifiers: Orphanet 685, MedGen C0037773, MONDO:0019064. Disease mechanism: loss of function.
Spastic paraplegia. Identifiers: MedGen C0037772, HP:0001258.
Hereditary spastic paraplegia 13 (SPG13). Also called: Spastic paraplegia 13; SPASTIC PARAPLEGIA 13, AUTOSOMAL DOMINANT. Identifiers: Orphanet 100994, MedGen C1854467, MONDO:0011532, OMIM 605280.

Allele frequency attached by ClinVar (database versions not stated): 1000 Genomes Project 30x 0.00718; 1000 Genomes Project 0.00759; ESP Exome Variant Server 0.01227; TOPMed 0.01294; gnomAD 0.01579 and 0.01623; gnomAD exomes 0.01671 and 0.01999; ExAC 0.01678.
gnomAD v4.1: 29,828 of 1,526,954 alleles (2%); highest among the groups gnomAD compares: Non-Finnish European, 2.1%; 399 homozygotes.

Submissions (7):

Labcorp Genetics (formerly Invitae), Labcorp
Classification: Benign for Spastic paraplegia. Last evaluated: 2026-01-27. Review status: criteria provided, single submitter. Criteria: Invitae Variant Classification Sherloc (09022015). Collection method: clinical testing. Allele origin: germline.

Athena Diagnostics
Classification: Benign. Last evaluated: 2023-11-13. Review status: criteria provided, single submitter. Criteria: Athena Diagnostics Criteria. Collection method: clinical testing. Allele origin: unknown.

Mayo Clinic Laboratories, Mayo Clinic
Classification: Benign. Last evaluated: 2023-01-11. Review status: criteria provided, single submitter. Criteria: ACMG Guidelines, 2015. Collection method: clinical testing. Allele origin: germline. Observed: 62 variant alleles.
Comment: BA1

Genome Diagnostics Laboratory, The Hospital for Sick Children
Classification: Benign for Hereditary spastic paraplegia. Last evaluated: 2022-01-14. Review status: criteria provided, single submitter. Criteria: ACMG Guidelines, 2015. Collection method: clinical testing. Allele origin: germline. Affected: yes.

Illumina Laboratory Services, Illumina
Classification: Benign for Hereditary spastic paraplegia 13. Last evaluated: 2018-01-12. Review status: criteria provided, single submitter. Criteria: ICSL Variant Classification Criteria 13 December 2019. Collection method: clinical testing. Allele origin: germline.
Comment: This variant was observed in the ICSL laboratory as part of a predisposition screen in an ostensibly healthy population. It had not been previously curated by ICSL or reported in the Human Gene Mutation Database (HGMD: prior to June 1st, 2018), and was therefore a candidate for classification through an automated scoring system. Utilizing variant allele frequency, disease prevalence and penetrance estimates, and inheritance mode, an automated score was calculated to assess if this variant is too frequent to cause the disease. Based on the score and internal cut-off values, a variant classified as benign is not then subjected to further curation. The score for this variant resulted in a classification of benign for this disease.

GeneDx
Classification: Benign. Last evaluated: 2014-02-12. Review status: criteria provided, single submitter. Criteria: GeneDx Variant Classification (06012015). Collection method: clinical testing. Allele origin: germline. Affected: yes.
Comment: This variant is considered likely benign or benign based on one or more of the following criteria: it is a conservative change, it occurs at a poorly conserved position in the protein, it is predicted to be benign by multiple in silico algorithms, and/or has population frequency not consistent with disease.

Breakthrough Genomics
Classification: Benign. Review status: criteria provided, single submitter. Criteria: ACMG Guidelines, 2015. Collection method: not provided. Allele origin: germline. Inheritance: Autosomal recessive inheritance. Affected: yes.

Literature cited by the submitters: PubMed 17072495 (cited by Athena Diagnostics and Mayo Clinic Laboratories, Mayo Clinic); PubMed 32570879 (cited by Athena Diagnostics); PubMed 32433464 (cited by Athena Diagnostics); PubMed 27251275 (cited by Athena Diagnostics); PubMed 19494379 (cited by Athena Diagnostics); PubMed 22552817 (cited by Athena Diagnostics); PubMed 25341883 (cited by Athena Diagnostics); PubMed 19423133 (cited by Athena Diagnostics); PubMed 18458233 (cited by Mayo Clinic Laboratories, Mayo Clinic).